The following is an entry in ClinVar:

NM_015559.3(SETBP1):c.540+5G>T

Gene: SETBP1 (SET binding protein 1; plus strand). Cytogenetic location: 18q12.3.
Variant type: single nucleotide variant.
Coding change: c.540+5G>T on transcript NM_015559.3 (MANE Select); 5 bases into the intron after coding-DNA position 540, G replaced by T.
Molecular consequence: intron variant.
Genome position (GRCh38, 1-based): chr18:44,869,288, G>T. VCF-style: chr18-44869288-G-T. GRCh37 (hg19) VCF-style: chr18-42449253-G-T.
Other names: c.540+5G>T (NM_001379141.1, NM_001130110.2, NM_001410862.1 and 1 more transcripts).
Identifiers: ClinVar variation 4799366 (VCV004799366.2).
Genomic context (GRCh38, chr18:44,869,288, plus strand): 5'-AGCTCCTCACAGCCAGTGACCTTGCAGCCAGTGACCTCAAAGGATTTCAGCCACAGGTAA[G>T]TTCCACTGATGCTTTTAAGAAGTTTGGAAGAGTAAAATGATCCAGAGTTTGGTTGTCAAC-3'

ClinVar aggregate classification (germline): Uncertain significance. Review status: criteria provided, multiple submitters, no conflicts (2 of 4 stars). 2 submissions from 2 submitters: Uncertain significance (2). Last evaluated 2025-10-01.

gnomAD v4.1: 5 of 1,613,562 alleles (0.00031%); highest among the groups gnomAD compares: Non-Finnish European, 0.00042%; no homozygotes.

Submissions (2):

Labcorp Genetics (formerly Invitae), Labcorp
Classification: Uncertain significance. Last evaluated: 2025-10-01. Review status: criteria provided, single submitter. Criteria: Invitae Variant Classification Sherloc (09022015). Collection method: clinical testing. Allele origin: germline.
Comment: This sequence change falls in intron 3 of the SETBP1 gene. It does not directly change the encoded amino acid sequence of the SETBP1 protein. It affects a nucleotide within the consensus splice site. This variant is not present in population databases (gnomAD no frequency). This variant has not been reported in the literature in individuals affected with SETBP1-related conditions. Variants that disrupt the consensus splice site are a relatively common cause of aberrant splicing (PMID: 17576681, 9536098). Algorithms developed to predict the effect of sequence changes on RNA splicing suggest that this variant is not likely to affect RNA splicing. In summary, the available evidence is currently insufficient to determine the role of this variant in disease. Therefore, it has been classified as a Variant of Uncertain Significance.

Blueprint Genetics
Classification: Uncertain significance. Last evaluated: 2023-10-20. Review status: criteria provided, single submitter. Criteria: ACMG Guidelines, 2015. Collection method: clinical testing. Allele origin: germline.

Literature cited by the submitters: PubMed 17576681 (cited by Labcorp Genetics (formerly Invitae), Labcorp); PubMed 9536098 (cited by Labcorp Genetics (formerly Invitae), Labcorp).